The following is an entry in ClinVar:

ClinVar aggregate classification (germline): Uncertain significance. Review status: criteria provided, multiple submitters, no conflicts (2 of 4 stars). 3 submissions from 3 submitters: Uncertain significance (3). Last evaluated 2025-01-25.

Conditions:
BAP1-related tumor predisposition syndrome (TPDS1). Also called: Tumor susceptibility linked to germline BAP1 mutations; BAP1 tumor predisposition syndrome; COMMON Syndrome; TUMOR PREDISPOSITION SYNDROME 1. Identifiers: Orphanet 289539, MedGen C3280492, MONDO:0013692, OMIM 614327.
Hereditary cancer-predisposing syndrome. Also called: Tumor predisposition; Hereditary neoplastic syndrome; Hereditary Cancer Syndrome; Neoplastic Syndromes, Hereditary. Identifiers: Orphanet 140162, MedGen C0027672, MeSH D009386, MONDO:0015356.

Allele frequency attached by ClinVar (database versions not stated): gnomAD exomes below 0.00001.
gnomAD v4.1: 3 of 1,613,890 alleles (0.00019%); highest among the groups gnomAD compares: Non-Finnish European, 0.00017%; no homozygotes.

Submissions (3):

Ambry Genetics
Classification: Uncertain significance for Hereditary cancer-predisposing syndrome. Last evaluated: 2025-01-25. Review status: criteria provided, single submitter. Criteria: Ambry Variant Classification Scheme 2023. Collection method: clinical testing. Allele origin: germline.
Comment: The p.G121R variant (also known as c.361G>C), located in coding exon 5 of the BAP1 gene, results from a G to C substitution at nucleotide position 361. The glycine at codon 121 is replaced by arginine, an amino acid with dissimilar properties. This amino acid position is highly conserved in available vertebrate species. In addition, the in silico prediction for this alteration is inconclusive. Based on the available evidence, the clinical significance of this variant remains unclear.

Labcorp Genetics (formerly Invitae), Labcorp
Classification: Uncertain significance for BAP1-related tumor predisposition syndrome. Last evaluated: 2022-01-28. Review status: criteria provided, single submitter. Criteria: Invitae Variant Classification Sherloc (09022015). Collection method: clinical testing. Allele origin: germline.
Comment: This sequence change replaces glycine, which is neutral and non-polar, with arginine, which is basic and polar, at codon 121 of the BAP1 protein (p.Gly121Arg). This variant is not present in population databases (gnomAD no frequency). In summary, the available evidence is currently insufficient to determine the role of this variant in disease. Therefore, it has been classified as a Variant of Uncertain Significance. Algorithms developed to predict the effect of missense changes on protein structure and function are either unavailable or do not agree on the potential impact of this missense change (SIFT: "Deleterious"; PolyPhen-2: "Probably Damaging"; Align-GVGD: "Class C0"). ClinVar contains an entry for this variant (Variation ID: 578028). This missense change has been observed in individual(s) with melanoma (PMID: 25787093).

Color Diagnostics, LLC DBA Color Health
Classification: Uncertain significance for Hereditary cancer-predisposing syndrome. Last evaluated: 2022-01-20. Review status: criteria provided, single submitter. Criteria: ACMG Guidelines, 2015. Collection method: clinical testing. Allele origin: germline.
Comment: This missense variant replaces glycine with arginine at codon 121 of the BAP1 protein. Computational prediction is inconclusive regarding the impact of this variant on protein structure and function (internally defined REVEL score threshold 0.5 < inconclusive < 0.7, PMID: 27666373). To our knowledge, functional studies have not been reported for this variant. This variant has been reported in an individual affected with melanoma in the literature (PMID: 25787093). This variant has not been identified in the general population by the Genome Aggregation Database (gnomAD). The available evidence is insufficient to determine the role of this variant in disease conclusively. Therefore, this variant is classified as a Variant of Uncertain Significance.

Literature cited by the submitters: PubMed 25787093 (cited by 3 submitters).

NM_004656.4(BAP1):c.361G>C (p.Gly121Arg)

Gene: BAP1 (BRCA1 associated deubiquitinase 1; minus strand). Cytogenetic location: 3p21.1.
Variant type: single nucleotide variant.
Coding change: c.361G>C on transcript NM_004656.4 (MANE Select); coding-DNA position 361, G replaced by C.
Protein change: p.Gly121Arg; replaces glycine 121 with arginine.
Molecular consequence: missense variant.
Genome position (GRCh38, 1-based): chr3:52,407,972, C>G on the plus strand (G>C on the coding strand, the complement: BAP1 is on the minus strand). VCF-style: chr3-52407972-C-G. GRCh37 (hg19) VCF-style: chr3-52441988-C-G.
Other names: c.361G>C (NM_004656.2); short protein forms G121R.
Identifiers: ClinVar variation 578028 (VCV000578028.11), dbSNP rs1559591093, ClinGen allele CA353111757.